The following is an entry in ClinVar:

NM_001363711.2(DUOX2):c.2525G>A (p.Arg842Gln)

Gene: DUOX2 (dual oxidase 2; minus strand). Cytogenetic location: 15q21.1.
Variant type: single nucleotide variant.
Coding change: c.2525G>A on transcript NM_001363711.2 (MANE Select); coding-DNA position 2525, G replaced by A.
Protein change: p.Arg842Gln; replaces arginine 842 with glutamine.
Molecular consequence: missense variant.
Genome position (GRCh38, 1-based): chr15:45,104,175, C>T on the plus strand (G>A on the coding strand, the complement: DUOX2 is on the minus strand). VCF-style: chr15-45104175-C-T. GRCh37 (hg19) VCF-style: chr15-45396373-C-T.
Other names: c.2525G>A, p.Arg842Gln (NM_014080.5); short protein forms R842Q.
Identifiers: ClinVar variation 2222742 (VCV002222742.3), dbSNP rs1221470749, ClinGen allele CA392269504.
Genomic context (GRCh38, chr15:45,104,175, plus strand): 5'-AGCCTGCCACCTCCCAGCCCCCTACCTTTCATGAAGACCACCAGGATGTCCAGGAACTCT[C>T]GGAAGGACAGGTAGCCATTGCCATCCTTGTCAGCCAGAGAGAACATGGACTCCACAAACA-3'
Protein context (NP_001350640.1, residues 832-852): DKDGNGYLSF[Arg842Gln]EFLDILVVFM

ClinVar aggregate classification (germline): Uncertain significance. Review status: criteria provided, multiple submitters, no conflicts (2 of 4 stars). 2 submissions from 2 submitters: Uncertain significance (2). Last evaluated 2025-08-12.

Conditions:
Inborn genetic diseases. Identifiers: MedGen C0950123, MeSH D030342.

Allele frequency attached by ClinVar (database versions not stated): gnomAD exomes 0.00003.
gnomAD v4.1: 42 of 1,614,168 alleles (0.0026%); highest among the groups gnomAD compares: Middle Eastern, 0.066%; no homozygotes.

Submissions (2):

Labcorp Genetics (formerly Invitae), Labcorp
Classification: Uncertain significance. Last evaluated: 2025-08-12. Review status: criteria provided, single submitter. Criteria: Invitae Variant Classification Sherloc (09022015). Collection method: clinical testing. Allele origin: germline.
Comment: This sequence change replaces arginine, which is basic and polar, with glutamine, which is neutral and polar, at codon 842 of the DUOX2 protein (p.Arg842Gln). This variant is present in population databases (no rsID available, gnomAD 0.006%). This variant has not been reported in the literature in individuals affected with DUOX2-related conditions. ClinVar contains an entry for this variant (Variation ID: 2222742). Invitae Evidence Modeling of protein sequence and biophysical properties (such as structural, functional, and spatial information, amino acid conservation, physicochemical variation, residue mobility, and thermodynamic stability) indicates that this missense variant is not expected to disrupt DUOX2 protein function with a negative predictive value of 80%. In summary, the available evidence is currently insufficient to determine the role of this variant in disease. Therefore, it has been classified as a Variant of Uncertain Significance.

Ambry Genetics
Classification: Uncertain significance for Inborn genetic diseases. Last evaluated: 2021-12-14. Review status: criteria provided, single submitter. Criteria: Ambry Variant Classification Scheme 2023. Collection method: clinical testing. Allele origin: germline.